The following is an entry in ClinVar:

ClinVar aggregate classification (germline): Uncertain significance (1 of 4 stars; one submission).

Allele frequency attached by ClinVar (database versions not stated): ExAC 0.00001; gnomAD 0.00001; gnomAD exomes 0.00002; TOPMed 0.00002.
gnomAD v4.1: 30 of 1,611,866 alleles (0.0019%); highest among the groups gnomAD compares: South Asian, 0.0055%; no homozygotes.

Submission:

Ambry Genetics
Classification: Uncertain significance. Last evaluated: 2025-03-04. Review status: criteria provided, single submitter. Criteria: Ambry Variant Classification Scheme 2023. Collection method: clinical testing. Allele origin: germline.
Comment: The p.R998Q variant (also known as c.2993G>A), located in coding exon 17 of the PKP4 gene, results from a G to A substitution at nucleotide position 2993. The arginine at codon 998 is replaced by glutamine, an amino acid with highly similar properties. This amino acid position is conserved. In addition, this alteration is predicted to be deleterious by in silico analysis. Since supporting evidence is limited at this time, the clinical significance of this alteration remains unclear.

NM_003628.6(PKP4):c.2993G>A (p.Arg998Gln)

Genes: PKP4 (plakophilin 4; plus strand), PKP4-AS1 (PKP4 antisense RNA 1; minus strand). Cytogenetic location: 2q24.1.
Variant type: single nucleotide variant.
Coding change: c.2993G>A on transcript NM_003628.6 (MANE Select); coding-DNA position 2993, G replaced by A.
Protein change: p.Arg998Gln; replaces arginine 998 with glutamine.
Molecular consequence: missense variant.
Genome position (GRCh38, 1-based): chr2:158,673,745, G>A. VCF-style: chr2-158673745-G-A. GRCh37 (hg19) VCF-style: chr2-159530257-G-A.
Other names: c.2993G>A, p.Arg998Gln (NM_001005476.4, NM_001377218.1, NM_001377225.1); c.2990G>A, p.Arg997Gln (NM_001304969.3, NM_001377219.1, NM_001377220.1 and 2 more transcripts); c.1964G>A, p.Arg655Gln (NM_001304970.3); c.2987G>A, p.Arg996Gln (NM_001377222.1, NM_001377223.1); c.2984G>A, p.Arg995Gln (NM_001377224.1); short protein forms R655Q, R995Q, R996Q, R997Q, R998Q.
Identifiers: ClinVar variation 1798546 (VCV001798546.3), dbSNP rs764636523, ClinGen allele CA1921166.